The following is an entry in ClinVar:

NM_000439.5(PCSK1):c.680T>C (p.Val227Ala)

Genes: CAST (calpastatin; plus strand), PCSK1 (proprotein convertase subtilisin/kexin type 1; minus strand), LOC101929710 (uncharacterized LOC101929710; plus strand). Cytogenetic location: 5q15.
Variant type: single nucleotide variant.
Coding change: c.680T>C on transcript NM_000439.5 (MANE Select); coding-DNA position 680, T replaced by C.
Protein change: p.Val227Ala; replaces valine 227 with alanine.
Molecular consequence: missense variant. On other transcripts: intron variant (11).
Genome position (GRCh38, 1-based): chr5:96,416,062, A>G on the plus strand (T>C on the coding strand, the complement: PCSK1 is on the minus strand). VCF-style: chr5-96416062-A-G. GRCh37 (hg19) VCF-style: chr5-95751766-A-G.
Other names: c.-175+36410A>G (NM_001423260.1, NM_001423254.1, NM_001423259.1 and 6 more transcripts); c.539T>C, p.Val180Ala (NM_001177875.2); c.-103+36410A>G (NM_001423253.1); c.-40+36410A>G (NM_001423258.1); short protein forms V180A, V227A.
Identifiers: ClinVar variation 3355530 (VCV003355530.1).

ClinVar aggregate classification (germline): Likely pathogenic (0 of 4 stars; one submission).

Conditions:
PCSK1-related disorder. Also called: PCSK1-related condition.

gnomAD v4.1: 6 of 1,611,948 alleles (0.00037%); highest among the groups gnomAD compares: Non-Finnish European, 0.00051%; no homozygotes.

Submission:

PreventionGenetics, part of Exact Sciences
Classification: Likely pathogenic for PCSK1-related condition. Last evaluated: 2024-08-30. Review status: no assertion criteria provided. Collection method: clinical testing. Allele origin: germline.
Comment: The PCSK1 c.680T>C variant is predicted to result in the amino acid substitution p.Val227Ala. To our knowledge, this variant has not been reported in patients in the literature. In vitro functional studies show strong evidence of loss of function (Supplemental Data Set, Shah et al. 2023, PubMed ID: 36864747). This variant is absent in a large population database, indicating it is rare. This variant is interpreted as likely pathogenic.